The following is an entry in ClinVar:

ClinVar aggregate classification (germline): Likely benign. Review status: criteria provided, single submitter (1 of 4 stars). 2 submissions from 2 submitters: Likely benign (1). 1 of the submissions does not count toward it. Last evaluated 2017-05-01.

Conditions:
KNL1-related disorder. Also called: KNL1-related condition.

Allele frequency attached by ClinVar (database versions not stated): gnomAD exomes 0.00014 and 0.00025; ExAC 0.00042; gnomAD 0.00135 and 0.00144; 1000 Genomes Project 30x 0.00187.
gnomAD v4.1: 383 of 1,441,096 alleles (0.027%); highest among the groups gnomAD compares: African/African-American, 0.5%; no homozygotes.

Submissions (2):

Genetic Services Laboratory, University of Chicago
Classification: Likely benign. Last evaluated: 2017-05-01. Review status: criteria provided, single submitter. Criteria: ACMG Guidelines, 2015. Collection method: clinical testing. Allele origin: germline. Affected: no.

PreventionGenetics, part of Exact Sciences
Classification: Likely benign for KNL1-related condition. Last evaluated: 2019-02-22. Review status: no assertion criteria provided. Collection method: clinical testing. Allele origin: germline. Not counted in ClinVar's aggregate classification.
Comment: This variant is classified as likely benign based on ACMG/AMP sequence variant interpretation guidelines (Richards et al. 2015 PMID: 25741868, with internal and published modifications).

NM_144508.5(KNL1):c.*8G>T

Gene: KNL1 (kinetochore scaffold 1; plus strand). Cytogenetic location: 15q15.1.
Variant type: single nucleotide variant.
Coding change: c.*8G>T on transcript NM_144508.5 (MANE Select); 8 bases downstream of the stop codon, G replaced by T.
Molecular consequence: 3 prime UTR variant.
Genome position (GRCh38, 1-based): chr15:40,662,196, G>T. VCF-style: chr15-40662196-G-T. GRCh37 (hg19) VCF-style: chr15-40954394-G-T.
Other names: c.*8G>T (NM_170589.5).
Identifiers: ClinVar variation 434578 (VCV000434578.8), dbSNP rs758759341, ClinGen allele CA7483879.
Genomic context (GRCh38, chr15:40,662,196, plus strand): 5'-TAGTCAAGCAAATTTACCAAGATCTGTTTCAGGACTGCCATTTCTACCACTAGACCCTTG[G>T]ACCACCATTGGAACAACCAAGCAGAATGTACTTGATATTATTTCAGGGTCCCATTGCTGT-3'